The following is an entry in ClinVar:

NM_001987.5(ETV6):c.788C>T (p.Thr263Ile)

Gene: ETV6 (ETS variant transcription factor 6; plus strand). Cytogenetic location: 12p13.2.
Variant type: single nucleotide variant.
Coding change: c.788C>T on transcript NM_001987.5 (MANE Select); coding-DNA position 788, C replaced by T.
Protein change: p.Thr263Ile; replaces threonine 263 with isoleucine.
Molecular consequence: missense variant.
Genome position (GRCh38, 1-based): chr12:11,869,748, C>T. VCF-style: chr12-11869748-C-T. GRCh37 (hg19) VCF-style: chr12-12022682-C-T.
Other names: c.785C>T, p.Thr262Ile (NM_001413913.1); c.761C>T, p.Thr254Ile (NM_001413914.1); c.524C>T, p.Thr175Ile (NM_001413915.1); c.788C>T, p.Thr263Ile (NM_001413916.1, NM_001413917.1); short protein forms T254I, T262I, T263I, T175I.
Identifiers: ClinVar variation 3510616 (VCV003510616.1).

ClinVar aggregate classification (germline): Uncertain significance (1 of 4 stars; one submission).

Conditions:
Inborn genetic diseases. Identifiers: MedGen C0950123, MeSH D030342.

gnomAD v4.1: 2 of 1,613,622 alleles (0.00012%); highest among the groups gnomAD compares: African/African-American, 0.0013%; no homozygotes.

Submission:

Ambry Genetics
Classification: Uncertain significance for Inborn genetic diseases. Last evaluated: 2024-10-15. Review status: criteria provided, single submitter. Criteria: Ambry Variant Classification Scheme 2023. Collection method: clinical testing. Allele origin: germline.
Comment: The p.T263I variant (also known as c.788C>T), located in coding exon 5 of the ETV6 gene, results from a C to T substitution at nucleotide position 788. The threonine at codon 263 is replaced by isoleucine, an amino acid with similar properties. This amino acid position is conserved. In addition, this alteration is predicted to be tolerated by in silico analysis. Based on the available evidence, the clinical significance of this variant remains unclear.